The following is an entry in ClinVar:

ClinVar aggregate classification (germline): Pathogenic. Review status: criteria provided, multiple submitters, no conflicts (2 of 4 stars). 4 submissions from 4 submitters: Pathogenic (4). Last evaluated 2025-10-13.

Conditions:
Neuropathy, hereditary sensory and autonomic, type 2A (HSAN2A). Also called: MORVAN DISEASE; NEUROPATHY, CONGENITAL SENSORY; NEUROPATHY, HEREDITARY SENSORY RADICULAR, AUTOSOMAL RECESSIVE; NEUROPATHY, HEREDITARY SENSORY, TYPE IIA; NEUROPATHY, PROGRESSIVE SENSORY, OF CHILDREN; HSAN IIA. Identifiers: Orphanet 970, MedGen C2752089, MONDO:0024309, OMIM 201300.
Generalized epilepsy with febrile seizures plus, type 7 (GEFSP7). Also called: GEFS+, TYPE 7. Identifiers: Orphanet 36387, MedGen C2751778, MONDO:0013470, OMIM 613863.
Channelopathy-associated congenital insensitivity to pain, autosomal recessive. Also called: Insensitivity to pain, channelopathy-associated; ASYMBOLIA FOR PAIN; CONGENITAL ANALGESIA, AUTOSOMAL RECESSIVE. Identifiers: Orphanet 88642, Orphanet 970, MedGen C1855739, MONDO:0009459, OMIM 243000.

Allele frequency attached by ClinVar (database versions not stated): TOPMed 0.00002.
gnomAD v4.1: 16 of 1,605,978 alleles (0.001%); highest among the groups gnomAD compares: South Asian, 0.0034%; no homozygotes.

Submissions (4):

Labcorp Genetics (formerly Invitae), Labcorp
Classification: Pathogenic for Neuropathy, hereditary sensory and autonomic, type 2A; Generalized epilepsy with febrile seizures plus, type 7. Last evaluated: 2025-10-13. Review status: criteria provided, single submitter. Criteria: Invitae Variant Classification Sherloc (09022015). Collection method: clinical testing. Allele origin: germline.
Comment: This sequence change creates a premature translational stop signal (p.Arg1488*) in the SCN9A gene. It is expected to result in an absent or disrupted protein product. Loss-of-function variants in SCN9A are known to be pathogenic (PMID: 17470132, 19304393). This variant is present in population databases (rs187558439, gnomAD 0.007%). This premature translational stop signal has been observed in individual(s) with congenital insensitivity to pain (PMID: 17470132, 30037327). ClinVar contains an entry for this variant (Variation ID: 245799). For these reasons, this variant has been classified as Pathogenic.

Mayo Clinic Laboratories, Mayo Clinic
Classification: Pathogenic. Last evaluated: 2025-06-03. Review status: criteria provided, single submitter. Criteria: ACMG Guidelines, 2015. Collection method: clinical testing. Allele origin: germline. Observed: 1 variant allele.
Comment: PM2_supporting, PM3, PS3_moderate, PVS1

GeneDx
Classification: Pathogenic. Last evaluated: 2023-06-04. Review status: criteria provided, single submitter. Criteria: GeneDx Variant Classification Process June 2021. Collection method: clinical testing. Allele origin: germline. Affected: yes.
Comment: Nonsense variant predicted to result in protein truncation or nonsense mediated decay in a gene for which loss-of-function is a known mechanism of disease; Published functional studies demonstrate that R1488X results in a non-functional channel (Wen et al., 2018); This variant is associated with the following publications: (PMID: 18070140, 21041956, 25525159, 30037327, 17470132, 19304393, 30672368, 37231219, 32468069)

New York Genome Center
Classification: Pathogenic for Channelopathy-associated congenital insensitivity to pain, autosomal recessive. Last evaluated: 2021-03-13. Review status: criteria provided, single submitter. Criteria: NYGC Assertion Criteria 2020. Collection method: clinical testing. Allele origin: germline. Inheritance: Autosomal recessive inheritance. Observed: 1 heterozygote. Study: CSER-NYCKidSeq.

Literature cited by the submitters: PubMed 17470132 (cited by Labcorp Genetics (formerly Invitae), Labcorp and Mayo Clinic Laboratories, Mayo Clinic); PubMed 19304393 (cited by Labcorp Genetics (formerly Invitae), Labcorp); PubMed 30037327 (cited by Labcorp Genetics (formerly Invitae), Labcorp and Mayo Clinic Laboratories, Mayo Clinic).

NM_001365536.1(SCN9A):c.4495C>T (p.Arg1499Ter)

Genes: SCN9A (sodium voltage-gated channel alpha subunit 9; minus strand), SCN1A-AS1 (SCN1A and SCN9A antisense RNA 1; plus strand). Cytogenetic location: 2q24.3.
Variant type: single nucleotide variant.
Coding change: c.4495C>T on transcript NM_001365536.1 (MANE Select); coding-DNA position 4495, C replaced by T.
Protein change: p.Arg1499Ter; replaces arginine 1499 with a stop codon.
Molecular consequence: nonsense.
Genome position (GRCh38, 1-based): chr2:166,204,368, G>A on the plus strand (C>T on the coding strand, the complement: SCN9A is on the minus strand). VCF-style: chr2-166204368-G-A. GRCh37 (hg19) VCF-style: chr2-167060878-G-A.
Other names: p.Arg1488*; c.4462C>T, p.Arg1488Ter (NM_002977.4); short protein forms R1488*, R1499*.
Identifiers: ClinVar variation 245799 (VCV000245799.13), dbSNP rs187558439, ClinGen allele CA1943855.